The following is an entry in ClinVar:

ClinVar aggregate classification (germline): Uncertain significance (1 of 4 stars; one submission).

Conditions:
Severe combined immunodeficiency due to DNA-PKcs deficiency. Also called: IMMUNODEFICIENCY 26 WITH NEUROLOGIC ABNORMALITIES; Immunodeficiency 26 with or without neurologic abnormalities. Identifiers: Orphanet 317425, MedGen C4014833, MONDO:0014423, OMIM 615966.

Allele frequency attached by ClinVar (database versions not stated): gnomAD exomes 0.00001; TOPMed 0.00002.
gnomAD v4.1: 13 of 1,580,950 alleles (0.00082%); highest among the groups gnomAD compares: Non-Finnish European, 0.001%; no homozygotes.

Submission:

Labcorp Genetics (formerly Invitae), Labcorp
Classification: Uncertain significance for Severe combined immunodeficiency due to DNA-PKcs deficiency. Last evaluated: 2022-06-10. Review status: criteria provided, single submitter. Criteria: Invitae Variant Classification Sherloc (09022015). Collection method: clinical testing. Allele origin: germline.
Comment: In summary, the available evidence is currently insufficient to determine the role of this variant in disease. Therefore, it has been classified as a Variant of Uncertain Significance. Experimental studies and prediction algorithms are not available or were not evaluated, and the functional significance of this variant is currently unknown. This variant has not been reported in the literature in individuals affected with PRKDC-related conditions. This variant is present in population databases (no rsID available, gnomAD 0.0009%). This sequence change replaces leucine, which is neutral and non-polar, with phenylalanine, which is neutral and non-polar, at codon 1758 of the PRKDC protein (p.Leu1758Phe).

NM_006904.7(PRKDC):c.5274G>T (p.Leu1758Phe)

Gene: PRKDC (protein kinase, DNA-activated, catalytic subunit; minus strand). Cytogenetic location: 8q11.21.
Variant type: single nucleotide variant.
Coding change: c.5274G>T on transcript NM_006904.7 (MANE Select); coding-DNA position 5274, G replaced by T.
Protein change: p.Leu1758Phe; replaces leucine 1758 with phenylalanine.
Molecular consequence: missense variant.
Genome position (GRCh38, 1-based): chr8:47,877,813, C>A on the plus strand (G>T on the coding strand, the complement: PRKDC is on the minus strand). VCF-style: chr8-47877813-C-A. GRCh37 (hg19) VCF-style: chr8-48790374-C-A.
Other names: c.5274G>T, p.Leu1758Phe (NM_001081640.2); short protein forms L1758F.
Identifiers: ClinVar variation 2177752 (VCV002177752.3), dbSNP rs1212849781, ClinGen allele CA371137862.
Genomic context (GRCh38, chr8:47,877,813, plus strand): 5'-AAATAATTCTTCCATGACATGCTGCTGTTCCCGACAAAGAACTTCTGTCATCAATTCCAA[C>A]AACATAGGGCTTTGAGATAATTCCAATGCATCTAGAAACTAGAAAAAATACATCAACATC-3'
Protein context (NP_008835.5, residues 1748-1768): DALELSQSPM[Leu1758Phe]LELMTEVLCR